The following is an entry in ClinVar:

ClinVar aggregate classification (germline): Uncertain significance. Review status: criteria provided, multiple submitters, no conflicts (2 of 4 stars). 2 submissions from 2 submitters: Uncertain significance (2). Last evaluated 2025-10-15.

Allele frequency attached by ClinVar (database versions not stated): TOPMed 0.00010; 1000 Genomes Project 0.00020; 1000 Genomes Project 30x 0.00031; ExAC 0.00013.
gnomAD v4.1: 125 of 1,612,922 alleles (0.0077%); highest among the groups gnomAD compares: South Asian, 0.089%; 1 homozygote.

Submissions (2):

Ambry Genetics
Classification: Uncertain significance. Last evaluated: 2025-10-15. Review status: criteria provided, single submitter. Criteria: Ambry Variant Classification Scheme 2023. Collection method: clinical testing. Allele origin: germline.

GeneDx
Classification: Uncertain significance. Last evaluated: 2022-12-01. Review status: criteria provided, single submitter. Criteria: GeneDx Variant Classification Process June 2021. Collection method: clinical testing. Allele origin: germline. Affected: yes.
Comment: In silico analysis supports that this missense variant has a deleterious effect on protein structure/function; Has not been previously published as pathogenic or benign to our knowledge

NM_001372106.1(DNAH10):c.4751C>T (p.Thr1584Met)

Gene: DNAH10 (dynein axonemal heavy chain 10; plus strand). Cytogenetic location: 12q24.31.
Variant type: single nucleotide variant.
Coding change: c.4751C>T on transcript NM_001372106.1 (MANE Select); coding-DNA position 4751, C replaced by T.
Protein change: p.Thr1584Met; replaces threonine 1584 with methionine.
Molecular consequence: missense variant.
Genome position (GRCh38, 1-based): chr12:123,833,319, C>T. VCF-style: chr12-123833319-C-T. GRCh37 (hg19) VCF-style: chr12-124317866-C-T.
Other names: c.4397C>T, p.Thr1466Met (NM_001083900.1, NM_207437.3); short protein forms T1466M, T1584M.
Identifiers: ClinVar variation 2504523 (VCV002504523.4), dbSNP rs114277040, ClinGen allele CA6863650.